The following is an entry in ClinVar:

NM_001378454.1(ALMS1):c.10252G>A (p.Val3418Ile)

Gene: ALMS1 (ALMS1 centrosome and basal body associated protein; plus strand). Cytogenetic location: 2p13.1.
Variant type: single nucleotide variant.
Coding change: c.10252G>A on transcript NM_001378454.1 (MANE Select); coding-DNA position 10252, G replaced by A.
Protein change: p.Val3418Ile; replaces valine 3418 with isoleucine.
Molecular consequence: missense variant.
Genome position (GRCh38, 1-based): chr2:73,559,010, G>A. VCF-style: chr2-73559010-G-A. GRCh37 (hg19) VCF-style: chr2-73786137-G-A.
Other names: c.10255G>A, p.Val3419Ile (NM_015120.4); short protein forms V3418I, V3419I.
Identifiers: ClinVar variation 2163816 (VCV002163816.4), dbSNP rs775728363, ClinGen allele CA1714952.

ClinVar aggregate classification (germline): Conflicting classifications of pathogenicity. Review status: criteria provided, conflicting classifications (1 of 4 stars). 3 submissions from 3 submitters: Uncertain significance (2); Benign (1). Last evaluated 2026-06-03.

Conditions:
Alstrom syndrome (ALMS). Identifiers: Orphanet 64, MedGen C0268425, MONDO:0008763, OMIM 203800.
Cardiovascular phenotype. Identifiers: MedGen CN230736.

Allele frequency attached by ClinVar (database versions not stated): gnomAD 0.00002; TOPMed 0.00005; ExAC 0.00010; gnomAD exomes 0.00001.
gnomAD v4.1: 21 of 1,613,866 alleles (0.0013%); highest among the groups gnomAD compares: East Asian, 0.047%; no homozygotes.

Submissions (3):

Ambry Genetics
Classification: Benign for Cardiovascular phenotype. Last evaluated: 2026-06-03. Review status: criteria provided, single submitter. Criteria: Ambry Variant Classification Scheme 2023. Collection method: clinical testing. Allele origin: germline.

GeneDx
Classification: Uncertain significance. Last evaluated: 2025-03-11. Review status: criteria provided, single submitter. Criteria: GeneDx Variant Classification Process June 2021. Collection method: clinical testing. Allele origin: germline.
Comment: In silico analysis indicates that this missense variant does not alter protein structure/function; Has not been previously published as pathogenic or benign to our knowledge

Labcorp Genetics (formerly Invitae), Labcorp
Classification: Uncertain significance for Alstrom syndrome. Last evaluated: 2022-10-13. Review status: criteria provided, single submitter. Criteria: Invitae Variant Classification Sherloc (09022015). Collection method: clinical testing. Allele origin: germline.
Comment: This sequence change replaces valine with isoleucine at codon 3419 of the ALMS1 protein (p.Val3419Ile). The valine residue is moderately conserved and there is a small physicochemical difference between valine and isoleucine. This variant is present in population databases (rs775728363, gnomAD 0.1%). This variant has not been reported in the literature in individuals affected with ALMS1-related conditions. Experimental studies and prediction algorithms are not available or were not evaluated, and the functional significance of this variant is currently unknown. In summary, the available evidence is currently insufficient to determine the role of this variant in disease. Therefore, it has been classified as a Variant of Uncertain Significance.